The following is an entry in ClinVar:

ClinVar aggregate classification (germline): Pathogenic/Likely pathogenic. Review status: criteria provided, multiple submitters, no conflicts (2 of 4 stars). 6 submissions from 6 submitters: Pathogenic (4); Likely pathogenic (2). Last evaluated 2025-09-08.

Conditions:
Retinitis pigmentosa (RP). Identifiers: Orphanet 791, MedGen C0035334, MeSH D012174, MONDO:0019200, OMIM 268000. Inheritance: Autosomal dominant, autosomal recessive and X linked inheritance.
Retinitis pigmentosa 38 (RP38). Also called: ROD-CONE DYSTROPHY, CHILDHOOD-ONSET. Identifiers: Orphanet 791, MedGen C3151228, MONDO:0013469, OMIM 613862.
MERTK-related disorder. Also called: MERTK-related condition.

Allele frequency attached by ClinVar (database versions not stated): TOPMed 0.00002; ExAC 0.00003; gnomAD exomes 0.00003; gnomAD 0.00006.
gnomAD v4.1: 26 of 1,612,544 alleles (0.0016%); highest among the groups gnomAD compares: East Asian, 0.0067%; no homozygotes.

Submissions (7):

Labcorp Genetics (formerly Invitae), Labcorp
Classification: Pathogenic. Last evaluated: 2025-09-08. Review status: criteria provided, single submitter. Criteria: Invitae Variant Classification Sherloc (09022015). Collection method: clinical testing. Allele origin: germline.
Comment: This sequence change affects a donor splice site in intron 8 of the MERTK gene. It is expected to disrupt RNA splicing. Variants that disrupt the donor or acceptor splice site typically lead to a loss of protein function (PMID: 16199547), and loss-of-function variants in MERTK are known to be pathogenic (PMID: 24265693, 29659094). This variant is present in population databases (rs774577413, gnomAD 0.01%). Disruption of this splice site has been observed in individuals with retinitis pigmentosa (PMID: 24938718, 25097241, 33090715, 34906470). ClinVar contains an entry for this variant (Variation ID: 808793). Algorithms developed to predict the effect of sequence changes on RNA splicing suggest that this variant may disrupt the consensus splice site. For these reasons, this variant has been classified as Pathogenic.

PreventionGenetics, part of Exact Sciences
Classification: Pathogenic for MERTK-related condition. Last evaluated: 2024-12-19. Review status: criteria provided, single submitter. Criteria: ACMG Guidelines, 2015. Collection method: clinical testing. Allele origin: germline.
Comment: The MERTK c.1296+1G>A variant is predicted to disrupt the GT donor site and interfere with normal splicing. This variant has been reported along with a second MERTK variant in individuals with retinal disease (Table S4, Xu et al. 2014. PubMed ID: 24938718; Wang et al. 2014. PubMed ID: 25097241; Table S2, Zampaglione et al. 2020. PubMed ID: 32037395; Table S2, Liu et al. 2020. PubMed ID: 33090715). This variant is present in 0.013% of alleles in individuals of South Asian descent in gnomAD. Variants that disrupt the consensus splice donor site in MERTK are an established mechanism of disease. This variant is interpreted as pathogenic.

Mendelics
Classification: Likely pathogenic for Retinitis pigmentosa 38. Last evaluated: 2022-05-04. Review status: criteria provided, single submitter. Criteria: Mendelics Assertion Criteria 2019. Collection method: clinical testing. Allele origin: germline.

Broad Center for Mendelian Genomics, Broad Institute of MIT and Harvard
Classification: Pathogenic for Retinitis pigmentosa. Last evaluated: 2021-04-01. Review status: criteria provided, single submitter. Criteria: ACMG Guidelines, 2015. Collection method: curation. Allele origin: germline. Inheritance: Autosomal recessive inheritance. Affected: yes.
Comment: Through a review of available evidence we were able to apply the following criteria: PVS1, PM2, PP3. Based on this evidence we have classified this variant as Pathogenic. If you have any questions about the classification please reach out to the Pierce Lab.

Blueprint Genetics
Classification: Pathogenic for MERTK-related disorders. Last evaluated: 2020-09-03. Review status: criteria provided, single submitter. Criteria: ACMG Guidelines, 2015. Collection method: clinical testing. Allele origin: germline. Affected: yes. Observed: 1 variant allele.

CeGaT Center for Human Genetics Tuebingen
Classification: Likely pathogenic. Last evaluated: 2017-11-01. Review status: criteria provided, single submitter. Criteria: CeGaT Center For Human Genetics Tuebingen Variant Classification Criteria Version 2. Collection method: clinical testing. Allele origin: germline. Affected: yes. Observed: 1 variant allele.

Dr. Peter K. Rogan Lab, Western University
No classification provided (evidence only). Condition: Ovarian serous cystadenocarcinoma. Review status: no classification provided. Collection method: in vitro. Allele origin: not applicable. Functional consequence: retained intron. Not counted in ClinVar's aggregate classification.

Literature cited by the submitters: PubMed 16199547 (cited by Labcorp Genetics (formerly Invitae), Labcorp); PubMed 24265693 (cited by Labcorp Genetics (formerly Invitae), Labcorp); PubMed 29659094 (cited by Labcorp Genetics (formerly Invitae), Labcorp); PubMed 24938718 (cited by Labcorp Genetics (formerly Invitae), Labcorp and Broad Center for Mendelian Genomics, Broad Institute of MIT and Harvard); PubMed 25097241 (cited by Labcorp Genetics (formerly Invitae), Labcorp and Broad Center for Mendelian Genomics, Broad Institute of MIT and Harvard); PubMed 33090715 (cited by Labcorp Genetics (formerly Invitae), Labcorp); PubMed 34906470 (cited by Labcorp Genetics (formerly Invitae), Labcorp and Broad Center for Mendelian Genomics, Broad Institute of MIT and Harvard).

NM_006343.3(MERTK):c.1296+1G>A

Gene: MERTK (MER proto-oncogene, tyrosine kinase; plus strand). Cytogenetic location: 2q13.
Variant type: single nucleotide variant.
Coding change: c.1296+1G>A on transcript NM_006343.3 (MANE Select); the canonical splice donor site of the intron after coding-DNA position 1296, G replaced by A.
Molecular consequence: splice donor variant.
Genome position (GRCh38, 1-based): chr2:111,982,994, G>A. VCF-style: chr2-111982994-G-A. GRCh37 (hg19) VCF-style: chr2-112740571-G-A.
Identifiers: ClinVar variation 808793 (VCV000808793.54), dbSNP rs774577413, ClinGen allele CA1831320.